The following is an entry in ClinVar:

ClinVar aggregate classification (germline): Pathogenic. Review status: criteria provided, multiple submitters, no conflicts (2 of 4 stars). 4 submissions from 4 submitters: Pathogenic (3). 1 of the submissions does not count toward it. Last evaluated 2024-02-16.

Conditions:
TSC2-related disorder. Also called: TSC2-Related Disorders; TSC2-related condition.
Tuberous sclerosis 2 (TSC2). Identifiers: Orphanet 805, MedGen C1860707, MONDO:0013199, OMIM 613254.

Submissions (4):

Blueprint Genetics
Classification: Pathogenic for TSC2-related disorders. Last evaluated: 2024-02-16. Review status: criteria provided, single submitter. Criteria: ACMG Guidelines, 2015. Collection method: clinical testing. Allele origin: germline. Affected: yes. Observed: 1 variant allele.

Labcorp Genetics (formerly Invitae), Labcorp
Classification: Pathogenic for Tuberous sclerosis 2. Last evaluated: 2022-10-24. Review status: criteria provided, single submitter. Criteria: Invitae Variant Classification Sherloc (09022015). Collection method: clinical testing. Allele origin: germline.
Comment: This sequence change affects a donor splice site in intron 18 of the TSC2 gene. It is expected to disrupt RNA splicing. Variants that disrupt the donor or acceptor splice site typically lead to a loss of protein function (PMID: 16199547), and loss-of-function variants in TSC2 are known to be pathogenic (PMID: 10205261, 17304050). This variant is not present in population databases (gnomAD no frequency). Disruption of this splice site has been observed in individual(s) with tuberous sclerosis complex (PMID: 27859028). ClinVar contains an entry for this variant (Variation ID: 448722). Algorithms developed to predict the effect of sequence changes on RNA splicing suggest that this variant may disrupt the consensus splice site. For these reasons, this variant has been classified as Pathogenic.

Athena Diagnostics
Classification: Pathogenic. Last evaluated: 2017-06-23. Review status: criteria provided, single submitter. Criteria: Athena Diagnostics Criteria. Collection method: clinical testing. Allele origin: germline.

Division of Genomic Medicine, Department of Advanced Medicine, Medical Research Institute, Kanazawa Medical University
Classification: Pathogenic for Tuberous sclerosis 2. Last evaluated: 2020-06-11. Review status: no assertion criteria provided. Collection method: clinical testing. Allele origin: germline. Affected: yes. Observed: 1 variant allele. Not counted in ClinVar's aggregate classification.

Literature cited by the submitters: PubMed 16199547 (cited by Labcorp Genetics (formerly Invitae), Labcorp); PubMed 10205261 (cited by Labcorp Genetics (formerly Invitae), Labcorp); PubMed 17304050 (cited by Labcorp Genetics (formerly Invitae), Labcorp); PubMed 27859028 (cited by Labcorp Genetics (formerly Invitae), Labcorp).

NM_000548.5(TSC2):c.1946+1G>A

Gene: TSC2 (TSC complex subunit 2; plus strand). Cytogenetic location: 16p13.3.
Variant type: single nucleotide variant.
Coding change: c.1946+1G>A on transcript NM_000548.5 (MANE Select); the canonical splice donor site of the intron after coding-DNA position 1946, G replaced by A.
Molecular consequence: splice donor variant.
Genome position (GRCh38, 1-based): chr16:2,071,617, G>A. VCF-style: chr16-2071617-G-A. GRCh37 (hg19) VCF-style: chr16-2121618-G-A.
Other names: c.602+1G>A (NM_001406693.1, NM_001406689.1, NM_001406690.1 and 6 more transcripts); c.2036+1G>A (NM_001406667.1, NM_001406668.1); c.1346+1G>A (NM_001406680.1, NM_001406683.1, NM_001406687.1 and 6 more transcripts); c.344+1G>A (NM_001406698.1); c.1946+1G>A (NM_001114382.3, NM_001406663.1, NM_001406664.1 and 6 more transcripts); c.1934+1G>A (NM_001406671.1, NM_001406673.1); c.1484+1G>A (NM_001406681.1); c.1835+1G>A (NM_001406670.1, NM_001318827.2, NM_001406678.1); and 3 more.
Identifiers: ClinVar variation 448722 (VCV000448722.9), dbSNP rs397514994, ClinGen allele CA394273426.
Genomic context (GRCh38, chr16:2,071,617, plus strand): 5'-GGGCCTGCCCAACAAGGATGGAGTCGTGCGGTTCAGCCCCTACTGCGTCTGCGACTACAT[G>A]TACGCGGGACCTCGCCCACGGCCCATGAGGCTCAGGGCGTCAGAGGCGCTGGGGCTGTGG-3'